The following is an entry in ClinVar:

ClinVar aggregate classification (germline): Uncertain significance (1 of 4 stars; one submission).

Allele frequency attached by ClinVar (database versions not stated): TOPMed below 0.00001; gnomAD 0.00001; gnomAD exomes 0.00002.
gnomAD v4.1: 37 of 1,614,032 alleles (0.0023%); highest among the groups gnomAD compares: Non-Finnish European, 0.003%; no homozygotes.

Submission:

Labcorp Genetics (formerly Invitae), Labcorp
Classification: Uncertain significance. Last evaluated: 2022-05-05. Review status: criteria provided, single submitter. Criteria: Invitae Variant Classification Sherloc (09022015). Collection method: clinical testing. Allele origin: germline.
Comment: This variant is not present in population databases (gnomAD no frequency). In summary, the available evidence is currently insufficient to determine the role of this variant in disease. Therefore, it has been classified as a Variant of Uncertain Significance. Algorithms developed to predict the effect of missense changes on protein structure and function are either unavailable or do not agree on the potential impact of this missense change (SIFT: "Not Available"; PolyPhen-2: "Possibly Damaging"; Align-GVGD: "Not Available"). This variant has not been reported in the literature in individuals affected with VPS13D-related conditions. This sequence change replaces leucine, which is neutral and non-polar, with phenylalanine, which is neutral and non-polar, at codon 3189 of the VPS13D protein (p.Leu3189Phe).

NM_015378.4(VPS13D):c.9567G>C (p.Leu3189Phe)

Gene: VPS13D (vacuolar protein sorting 13 homolog D; plus strand). Cytogenetic location: 1p36.22.
Variant type: single nucleotide variant.
Coding change: c.9567G>C on transcript NM_015378.4 (MANE Select); coding-DNA position 9567, G replaced by C.
Protein change: p.Leu3189Phe; replaces leucine 3189 with phenylalanine.
Molecular consequence: missense variant.
Genome position (GRCh38, 1-based): chr1:12,354,109, G>C. VCF-style: chr1-12354109-G-C. GRCh37 (hg19) VCF-style: chr1-12414166-G-C.
Other names: c.9492G>C, p.Leu3164Phe (NM_018156.4); short protein forms L3164F, L3189F.
Identifiers: ClinVar variation 1923576 (VCV001923576.5), dbSNP rs1380540093, ClinGen allele CA338494474.
Genomic context (GRCh38, chr1:12,354,109, plus strand): 5'-GATTTTCAGACAGCCTGGGCATACCATATATCTCCTGCCAACTGTGGTAATCTGCAACTT[G>C]CTACCCTGTGAACTTGATTTTTATGTTAAAGGAATGCCAATTAATGGGACGCTGAAACCT-3'
Protein context (NP_056193.2, residues 3179-3199): YLLPTVVICN[Leu3189Phe]LPCELDFYVK